The following is an entry in ClinVar:

NM_001378454.1(ALMS1):c.9385C>T (p.Gln3129Ter)

Gene: ALMS1 (ALMS1 centrosome and basal body associated protein; plus strand). Cytogenetic location: 2p13.1.
Variant type: single nucleotide variant.
Coding change: c.9385C>T on transcript NM_001378454.1 (MANE Select); coding-DNA position 9385, C replaced by T.
Protein change: p.Gln3129Ter; replaces glutamine 3129 with a stop codon.
Molecular consequence: nonsense.
Genome position (GRCh38, 1-based): chr2:73,491,344, C>T. VCF-style: chr2-73491344-C-T. GRCh37 (hg19) VCF-style: chr2-73718471-C-T.
Other names: c.9388C>T, p.Gln3130Ter (NM_015120.4); short protein forms Q3130*, Q3129*.
Identifiers: ClinVar variation 1429943 (VCV001429943.6), dbSNP rs1314034889, ClinGen allele CA347274574.

ClinVar aggregate classification (germline): Pathogenic (1 of 4 stars; one submission).

Conditions:
Alstrom syndrome (ALMS). Identifiers: Orphanet 64, MedGen C0268425, MONDO:0008763, OMIM 203800.

Allele frequency attached by ClinVar (database versions not stated): gnomAD exomes below 0.00001.
gnomAD v4.1: 1 of 1,614,180 alleles (0.000062%); highest among the groups gnomAD compares: East Asian, 0.0022%; no homozygotes.

Submission:

Labcorp Genetics (formerly Invitae), Labcorp
Classification: Pathogenic for Alstrom syndrome. Last evaluated: 2021-03-11. Review status: criteria provided, single submitter. Criteria: Invitae Variant Classification Sherloc (09022015). Collection method: clinical testing. Allele origin: germline.
Comment: This sequence change creates a premature translational stop signal (p.Gln3130*) in the ALMS1 gene. It is expected to result in an absent or disrupted protein product. Loss-of-function variants in ALMS1 are known to be pathogenic (PMID: 17594715). This variant is not present in population databases (ExAC no frequency). This variant has not been reported in the literature in individuals with ALMS1-related conditions. For these reasons, this variant has been classified as Pathogenic.

Literature cited by the submitters: PubMed 17594715.